The following is an entry in ClinVar:

NM_017934.7(PHIP):c.1629T>C (p.Phe543=)

Gene: PHIP (PHIP subunit of CUL4-Ring ligase complex; minus strand). Cytogenetic location: 6q14.1.
Variant type: single nucleotide variant.
Coding change: c.1629T>C on transcript NM_017934.7 (MANE Select); coding-DNA position 1629, T replaced by C.
Protein change: p.Phe543=; no amino-acid change (phenylalanine 543 retained).
Molecular consequence: synonymous variant.
Genome position (GRCh38, 1-based): chr6:79,003,754, A>G on the plus strand (T>C on the coding strand, the complement: PHIP is on the minus strand). VCF-style: chr6-79003754-A-G. GRCh37 (hg19) VCF-style: chr6-79713471-A-G.
Other names: c.1629T>C (NM_017934.6).
Identifiers: ClinVar variation 2023104 (VCV002023104.5), dbSNP rs1461540262, ClinGen allele CA451008281.

ClinVar aggregate classification (germline): Likely benign. Review status: criteria provided, single submitter (1 of 4 stars). 2 submissions from 2 submitters: Likely benign (1). 1 of the submissions does not count toward it. Last evaluated 2024-04-16.

Conditions:
PHIP-related disorder. Also called: PHIP-related disorders; PHIP-related condition.

Allele frequency attached by ClinVar (database versions not stated): gnomAD exomes below 0.00001.
gnomAD v4.1: 1 of 1,608,040 alleles (0.000062%); highest among the groups gnomAD compares: Admixed American, 0.0017%; no homozygotes.

Submissions (2):

Labcorp Genetics (formerly Invitae), Labcorp
Classification: Likely benign. Last evaluated: 2024-04-16. Review status: criteria provided, single submitter. Criteria: Invitae Variant Classification Sherloc (09022015). Collection method: clinical testing. Allele origin: germline.

PreventionGenetics, part of Exact Sciences
Classification: Likely benign for PHIP-related condition. Last evaluated: 2023-11-01. Review status: no assertion criteria provided. Collection method: clinical testing. Allele origin: germline. Not counted in ClinVar's aggregate classification.
Comment: This variant is classified as likely benign based on ACMG/AMP sequence variant interpretation guidelines (Richards et al. 2015 PMID: 25741868, with internal and published modifications).